The following is an entry in ClinVar:

ClinVar aggregate classification (germline): Pathogenic (1 of 4 stars; one submission).

Conditions:
Ataxia-telangiectasia-like disorder (ATLD). Identifiers: MedGen C1858391, MONDO:0011457.

Submission:

Labcorp Genetics (formerly Invitae), Labcorp
Classification: Pathogenic for Ataxia-telangiectasia-like disorder. Last evaluated: 2023-08-29. Review status: criteria provided, single submitter. Criteria: Invitae Variant Classification Sherloc (09022015). Collection method: clinical testing. Allele origin: germline.
Comment: For these reasons, this variant has been classified as Pathogenic. This variant has not been reported in the literature in individuals affected with MRE11-related conditions. This variant is not present in population databases (gnomAD no frequency). This sequence change creates a premature translational stop signal (p.Lys434*) in the MRE11 gene. It is expected to result in an absent or disrupted protein product. Loss-of-function variants in MRE11 are known to be pathogenic (PMID: 23080121, 23912341).

Literature cited by the submitters: PubMed 23080121; PubMed 23912341.

NM_005591.4(MRE11):c.1300A>T (p.Lys434Ter)

Gene: MRE11 (MRE11 double strand break repair nuclease; minus strand). Cytogenetic location: 11q21.
Variant type: single nucleotide variant.
Coding change: c.1300A>T on transcript NM_005591.4 (MANE Select); coding-DNA position 1300, A replaced by T.
Protein change: p.Lys434Ter; replaces lysine 434 with a stop codon.
Molecular consequence: nonsense.
Genome position (GRCh38, 1-based): chr11:94,460,962, T>A on the plus strand (A>T on the coding strand, the complement: MRE11 is on the minus strand). VCF-style: chr11-94460962-T-A. GRCh37 (hg19) VCF-style: chr11-94194128-T-A.
Other names: c.1300A>T, p.Lys434Ter (NM_001330347.2, NM_005590.4); short protein forms K434*.
Identifiers: ClinVar variation 2756232 (VCV002756232.3), dbSNP rs2496399525, ClinGen allele CA382372326.
Genomic context (GRCh38, chr11:94,460,962, plus strand): 5'-GCCATTATTCAAAATGTGAACTGTAAGAAATTACCTTCTCTGCGGTTTGAAAGTACTGTT[T>A]TACAAGATCTTCTACCCTTAAAGTTGTTCCTTCTGAAGGCTTTGTGATAAGTTTCCCAAA-3'